The following is an entry in ClinVar:

NM_006766.5(KAT6A):c.4037del (p.Gly1346fs)

Gene: KAT6A (lysine acetyltransferase 6A; minus strand). Cytogenetic location: 8p11.21.
Variant type: Deletion.
Coding change: c.4037del on transcript NM_006766.5 (MANE Select); coding-DNA position 4037, one base deleted (G; older notation c.4037delG).
Protein change: p.Gly1346fs; shifts the reading frame from glycine 1346.
Molecular consequence: frameshift variant.
Genome position (GRCh38, 1-based): chr8:41,934,183, C deleted on the plus strand (G on the coding strand, the reverse complement: KAT6A is on the minus strand); the first of 2 consecutive C bases (chr8:41,934,183-41,934,184); deleting either gives the same sequence. VCF-style (leftmost placement, unchanged base first): chr8-41934182-AC-A. GRCh37 (hg19) VCF-style: chr8-41791700-AC-A.
Other names: short protein forms G1346fs.
Identifiers: ClinVar variation 817161 (VCV000817161.1), dbSNP rs1587709269, ClinGen allele CA915945667.

ClinVar aggregate classification (germline): Likely pathogenic (1 of 4 stars; one submission).

Submission:

GeneDx
Classification: Likely pathogenic. Last evaluated: 2018-07-18. Review status: criteria provided, single submitter. Criteria: GeneDx Variant Classification (06012015). Collection method: clinical testing. Allele origin: germline. Affected: yes.
Comment: The c.4037delG variant in the KAT6A gene has not been reported previously as a pathogenic variant nor as a benign variant, to our knowledge. The c.4037delG variant causes a frameshift starting with codon Glycine 1346, changes this amino acid to a Valine residue, and creates a premature Stop codon at position 7 of the new reading frame, denoted p.Gly1346ValfsX7. This variant is predicted to cause loss of normal protein function through protein truncation. The c.4037delG variant is not observed in large population cohorts (Lek et al., 2016). We interpret c.4037delG as a likely pathogenic variant.